The following is an entry in ClinVar:

ClinVar aggregate classification (germline): Benign/Likely benign. Review status: criteria provided, multiple submitters, no conflicts (2 of 4 stars). 2 submissions from 2 submitters: Benign (1); Likely benign (1). Last evaluated 2026-04-01.

Conditions:
Hypertrophic cardiomyopathy. Also called: HYPERTROPHIC MYOCARDIOPATHY. Identifiers: Orphanet 217569, MedGen C0007194, MeSH D002312, MONDO:0005045, HP:0001639.

Allele frequency attached by ClinVar (database versions not stated): ESP Exome Variant Server 0.00008; TOPMed 0.00076; 1000 Genomes Project 30x 0.00203; 1000 Genomes Project 0.00220.
gnomAD v4.1: 488 of 1,608,894 alleles (0.03%); highest among the groups gnomAD compares: East Asian, 0.68%; no homozygotes.

Submissions (2):

CeGaT Center for Human Genetics Tuebingen
Classification: Likely benign. Last evaluated: 2026-04-01. Review status: criteria provided, single submitter. Criteria: CeGaT Center For Human Genetics Tuebingen Variant Classification Criteria Version 2. Collection method: clinical testing. Allele origin: germline. Affected: yes. Observed: 1 variant allele.
Comment: MYOM1: BP4, BS1

Labcorp Genetics (formerly Invitae), Labcorp
Classification: Benign for Hypertrophic cardiomyopathy. Last evaluated: 2025-11-05. Review status: criteria provided, single submitter. Criteria: Invitae Variant Classification Sherloc (09022015). Collection method: clinical testing. Allele origin: germline.

NM_003803.4(MYOM1):c.2991+8C>A

Gene: MYOM1 (myomesin 1; minus strand). Cytogenetic location: 18p11.31.
Variant type: single nucleotide variant.
Coding change: c.2991+8C>A on transcript NM_003803.4 (MANE Select); 8 bases into the intron after coding-DNA position 2991, C replaced by A.
Molecular consequence: intron variant.
Genome position (GRCh38, 1-based): chr18:3,126,693, G>T on the plus strand (C>A on the coding strand, the complement: MYOM1 is on the minus strand). VCF-style: chr18-3126693-G-T. GRCh37 (hg19) VCF-style: chr18-3126691-G-T.
Other names: c.2703+8C>A (NM_019856.2).
Identifiers: ClinVar variation 525071 (VCV000525071.14), dbSNP rs138916150, ClinGen allele CA8874480.
Genomic context (GRCh38, chr18:3,126,693, plus strand): 5'-CCTGCCTGGGCGTGCAAGCATAGCGTCATACATAGGACACGCCACACTACAGAAAGTCAC[G>T]TGCTTACCTTGTATGCCTCCTCACTGACAGCCTTGACATTGGCTTCTCTCCATTTTCCTG-3'